The following is an entry in ClinVar:

NM_006846.4(SPINK5):c.1055G>T (p.Arg352Ile)

Gene: SPINK5 (serine peptidase inhibitor Kazal type 5; plus strand). Cytogenetic location: 5q32.
Variant type: single nucleotide variant.
Coding change: c.1055G>T on transcript NM_006846.4 (MANE Select); coding-DNA position 1055, G replaced by T.
Protein change: p.Arg352Ile; replaces arginine 352 with isoleucine.
Molecular consequence: missense variant.
Genome position (GRCh38, 1-based): chr5:148,099,278, G>T. VCF-style: chr5-148099278-G-T. GRCh37 (hg19) VCF-style: chr5-147478841-G-T.
Other names: c.1055G>T, p.Arg352Ile (NM_001127698.2, NM_001127699.2); short protein forms R352I.
Identifiers: ClinVar variation 1056284 (VCV001056284.9), dbSNP rs772944760, ClinGen allele CA3495452.

ClinVar aggregate classification (germline): Uncertain significance (1 of 4 stars; one submission).

Conditions:
Ichthyosis linearis circumflexa. Identifiers: MedGen C0265962, MONDO:0043106, HP:0025810.

Allele frequency attached by ClinVar (database versions not stated): gnomAD exomes below 0.00001; ExAC 0.00001; gnomAD 0.00001.
gnomAD v4.1: 2 of 1,612,380 alleles (0.00012%); highest among the groups gnomAD compares: Non-Finnish European, 0.00017%; no homozygotes.

Submission:

Labcorp Genetics (formerly Invitae), Labcorp
Classification: Uncertain significance for Ichthyosis linearis circumflexa. Last evaluated: 2026-01-05. Review status: criteria provided, single submitter. Criteria: Invitae Variant Classification Sherloc (09022015). Collection method: clinical testing. Allele origin: germline.
Comment: This sequence change replaces arginine, which is basic and polar, with isoleucine, which is neutral and non-polar, at codon 352 of the SPINK5 protein (p.Arg352Ile). This variant is present in population databases (rs772944760, gnomAD 0.0009%). This variant has not been reported in the literature in individuals affected with SPINK5-related conditions. ClinVar contains an entry for this variant (Variation ID: 1056284). Invitae Evidence Modeling of protein sequence and biophysical properties (such as structural, functional, and spatial information, amino acid conservation, physicochemical variation, residue mobility, and thermodynamic stability) indicates that this missense variant is not expected to disrupt SPINK5 protein function with a negative predictive value of 80%. In summary, the available evidence is currently insufficient to determine the role of this variant in disease. Therefore, it has been classified as a Variant of Uncertain Significance.